The following is an entry in ClinVar:

ClinVar aggregate classification (germline): Conflicting classifications of pathogenicity. Review status: criteria provided, conflicting classifications (1 of 4 stars). 4 submissions from 4 submitters: Uncertain significance (1); Likely benign (3). Last evaluated 2026-02-27.

Conditions:
Nephronophthisis 15 (NPHP15). Identifiers: Orphanet 3156, MedGen C3541853, MONDO:0013917, OMIM 614845.
CEP164-related disorder. Also called: CEP164-related condition.

Allele frequency attached by ClinVar (database versions not stated): ExAC 0.00002; gnomAD exomes 0.00003 and 0.00005; gnomAD 0.00004; TOPMed 0.00006.

Submissions (4):

PreventionGenetics, part of Exact Sciences
Classification: Uncertain significance for CEP164-related condition. Last evaluated: 2026-02-27. Review status: criteria provided, single submitter. Criteria: ACMG Guidelines, 2015. Collection method: clinical testing. Allele origin: germline.
Comment: The CEP164 c.1158G>A is a noncoding alteration. This variant is predicted to alter splicing based on available splicing prediction software (SpliceAI, Jaganathan et al. 2019. PubMed ID: 30661751). However, the use of computer prediction softwares is not equivalent to functional evidence. To our knowledge, this variant has not been reported in the literature. This variant is reported in 0.0070% of alleles in individuals of European (Non-Finnish) descent in gnomAD. At this time, the clinical significance of this variant is uncertain due to the absence of conclusive functional and genetic evidence.

Labcorp Genetics (formerly Invitae), Labcorp
Classification: Likely benign for Nephronophthisis 15. Last evaluated: 2025-11-17. Review status: criteria provided, single submitter. Criteria: Invitae Variant Classification Sherloc (09022015). Collection method: clinical testing. Allele origin: germline.

Blueprint Genetics
Classification: Likely benign. Last evaluated: 2024-10-16. Review status: criteria provided, single submitter. Criteria: ACMG Guidelines, 2015. Collection method: clinical testing. Allele origin: germline.

Fulgent Genetics
Classification: Likely benign for Nephronophthisis 15. Last evaluated: 2022-02-04. Review status: criteria provided, single submitter. Criteria: ACMG Guidelines, 2015. Collection method: clinical testing. Allele origin: unknown.

NM_014956.5(CEP164):c.1158G>A (p.Leu386=)

Gene: CEP164 (centrosomal protein 164; plus strand). Cytogenetic location: 11q23.3.
Variant type: single nucleotide variant.
Coding change: c.1158G>A on transcript NM_014956.5 (MANE Select); coding-DNA position 1158, G replaced by A.
Protein change: p.Leu386=; no amino-acid change (leucine 386 retained).
Molecular consequence: synonymous variant.
Genome position (GRCh38, 1-based): chr11:117,373,756, G>A. VCF-style: chr11-117373756-G-A. GRCh37 (hg19) VCF-style: chr11-117244472-G-A.
Other names: c.1158G>A, p.Leu386= (NM_001271933.2); c.1158G>A (NM_014956.4).
Identifiers: ClinVar variation 1606726 (VCV001606726.11), dbSNP rs199723361, ClinGen allele CA6294661.